The following is an entry in ClinVar:

ClinVar aggregate classification (germline): Uncertain significance (1 of 4 stars; one submission).

Conditions:
Brugada syndrome 5 (BRGDA5). Identifiers: Orphanet 130, Orphanet 871, MedGen C2748541, MONDO:0013015, OMIM 612838.

Submission:

Labcorp Genetics (formerly Invitae), Labcorp
Classification: Uncertain significance for Brugada syndrome 5. Last evaluated: 2024-08-12. Review status: criteria provided, single submitter. Criteria: Invitae Variant Classification Sherloc (09022015). Collection method: clinical testing. Allele origin: germline.
Comment: The SCN1B gene has multiple clinically relevant transcripts. This variant occurs in alternate transcript NM_001037.5, and corresponds to NM_199037.4:c.*5074G>A in the primary transcript. This sequence change affects codon 168 of the SCN1B mRNA. It is a 'silent' change, meaning that it does not change the encoded amino acid sequence of the SCN1B protein. This variant is not present in population databases (gnomAD no frequency). This variant has not been reported in the literature in individuals affected with SCN1B-related conditions. Experimental studies and prediction algorithms are not available or were not evaluated, and the effect of this variant on mRNA splicing is currently unknown. In summary, the available evidence is currently insufficient to determine the role of this variant in disease. Therefore, it has been classified as a Variant of Uncertain Significance.

NM_001037.5(SCN1B):c.504G>A (p.Val168=)

Gene: SCN1B (sodium voltage-gated channel beta subunit 1; plus strand). Cytogenetic location: 19q13.11.
Variant type: single nucleotide variant.
Coding change: c.504G>A on transcript NM_001037.5 (MANE Select); coding-DNA position 504, G replaced by A.
Protein change: p.Val168=; no amino-acid change (valine 168 retained).
Molecular consequence: synonymous variant.
Genome position (GRCh38, 1-based): chr19:35,039,172, G>A. VCF-style: chr19-35039172-G-A. GRCh37 (hg19) VCF-style: chr19-35530076-G-A.
Other names: c.405G>A, p.Val135= (NM_001321605.2).
Identifiers: ClinVar variation 2792916 (VCV002792916.3), dbSNP rs2514240846, ClinGen allele CA2739276642.